The following is an entry in ClinVar:

ClinVar aggregate classification (germline): Uncertain significance (1 of 4 stars; one submission).

Conditions:
Cardiovascular phenotype. Identifiers: MedGen CN230736.

gnomAD v4.1: 1 of 1,614,202 alleles (0.000062%); highest among the groups gnomAD compares: Non-Finnish European, 0.000085%; no homozygotes.

Submission:

Ambry Genetics
Classification: Uncertain significance for Cardiovascular phenotype. Last evaluated: 2025-02-25. Review status: criteria provided, single submitter. Criteria: Ambry Variant Classification Scheme 2023. Collection method: clinical testing. Allele origin: germline.
Comment: The p.D873G variant (also known as c.2618A>G), located in coding exon 16 of the CBL gene, results from an A to G substitution at nucleotide position 2618. The aspartic acid at codon 873 is replaced by glycine, an amino acid with similar properties. This amino acid position is conserved. In addition, the in silico prediction for this alteration is inconclusive. Based on the available evidence, the clinical significance of this variant remains unclear.

NM_005188.4(CBL):c.2618A>G (p.Asp873Gly)

Gene: CBL (Cbl proto-oncogene; plus strand). Cytogenetic location: 11q23.3.
Variant type: single nucleotide variant.
Coding change: c.2618A>G on transcript NM_005188.4 (MANE Select); coding-DNA position 2618, A replaced by G.
Protein change: p.Asp873Gly; replaces aspartic acid 873 with glycine.
Molecular consequence: missense variant.
Genome position (GRCh38, 1-based): chr11:119,299,678, A>G. VCF-style: chr11-119299678-A-G. GRCh37 (hg19) VCF-style: chr11-119170388-A-G.
Other names: short protein forms D873G.
Identifiers: ClinVar variation 3827859 (VCV003827859.1).
Genomic context (GRCh38, chr11:119,299,678, plus strand): 5'-CCTCACCTCAGCTCTCCAGTGAGATCGAGAACCTCATGAGTCAGGGGTACTCCTACCAGG[A>G]CATCCAGAAAGCTTTGGTCATTGCCCAGAACAACATCGAGATGGCCAAAAACATCCTCCG-3'
Protein context (NP_005179.2, residues 863-883): NLMSQGYSYQ[Asp873Gly]IQKALVIAQN